The following is an entry in ClinVar:

NM_000030.3(AGXT):c.447_454del (p.Leu151fs)

Gene: AGXT (alanine--glyoxylate aminotransferase; plus strand). Cytogenetic location: 2q37.3.
Variant type: Deletion.
Coding change: c.447_454del on transcript NM_000030.3 (MANE Select); coding-DNA positions 447 to 454, 8 bases deleted (GCTGCTGT; older notation c.447_454delGCTGCTGT).
Protein change: p.Leu151fs; shifts the reading frame from leucine 151.
Molecular consequence: frameshift variant.
Genome position (GRCh38, 1-based): chr2:240,871,372-240,871,379, GCTGCTGT deleted; deleting any 8 consecutive bases within chr2:240,871,370-240,871,379 gives the same sequence; the c. name uses the placement nearest the transcript's 3' end. VCF-style (leftmost placement, unchanged base first): chr2-240871369-AGTGCTGCT-A. GRCh37 (hg19) VCF-style: chr2-241810786-AGTGCTGCT-A.
Other names: c.447_454del (NM_000030.2); short protein forms L151fs.
Identifiers: ClinVar variation 204185 (VCV000204185.17), dbSNP rs180177221, ClinGen allele CA275828.

ClinVar aggregate classification (germline): Pathogenic. Review status: criteria provided, multiple submitters, no conflicts (2 of 4 stars). 7 submissions from 7 submitters: Pathogenic (5). 2 of the submissions do not count toward it. Last evaluated 2025-07-14.

Conditions:
Primary hyperoxaluria. Identifiers: Orphanet 416, MedGen C0020501, MONDO:0002474.
Primary hyperoxaluria, type I (HP1). Also called: GLYCOLIC ACIDURIA; HEPATIC AGT DEFICIENCY; OXALOSIS I; Primary hyperoxaluria type 1. Identifiers: Orphanet 416, Orphanet 93598, MedGen C0268164, MONDO:0009823, OMIM 259900. Disease mechanism: loss of function.

Submissions (7):

Revvity Omics, Revvity
Classification: Pathogenic for Primary hyperoxaluria, type I. Last evaluated: 2025-07-14. Review status: criteria provided, single submitter. Criteria: ACMG Guidelines, 2015. Collection method: clinical testing. Allele origin: germline.

Fulgent Genetics
Classification: Pathogenic for Primary hyperoxaluria, type I. Last evaluated: 2024-04-23. Review status: criteria provided, single submitter. Criteria: ACMG Guidelines, 2015. Collection method: clinical testing. Allele origin: germline.

Labcorp Genetics (formerly Invitae), Labcorp
Classification: Pathogenic. Last evaluated: 2023-09-05. Review status: criteria provided, single submitter. Criteria: Invitae Variant Classification Sherloc (09022015). Collection method: clinical testing. Allele origin: germline.
Comment: This sequence change creates a premature translational stop signal (p.Leu151Asnfs*14) in the AGXT gene. It is expected to result in an absent or disrupted protein product. Loss-of-function variants in AGXT are known to be pathogenic (PMID: 19479957). This variant is not present in population databases (gnomAD no frequency). This premature translational stop signal has been observed in individual(s) with primary hyperoxaluria (PMID: 17495019, 27512303). This variant is also known as c.445_452delGTGCTGCT. ClinVar contains an entry for this variant (Variation ID: 204185). For these reasons, this variant has been classified as Pathogenic.

Neuberg Centre For Genomic Medicine, NCGM
Classification: Pathogenic for Primary hyperoxaluria, type I. Last evaluated: 2023-07-22. Review status: criteria provided, single submitter. Criteria: ACMG Guidelines, 2015. Collection method: clinical testing. Allele origin: germline. Inheritance: Autosomal recessive inheritance. Affected: yes.
Comment: The observed frameshift c.447_454delp.Leu151AsnfsTer14 variant in AGXT gene has been reported previously in individuals affected with Primary Hyperoxaluria Type 1 Dutta AK, et al., 2016; Williams E, Rumsby G., 2007. The p.Leu151AsnfsTer14 variant is absent in gnomAD Exomes. This variant has been reported to the ClinVar database as Pathogenic multiple submissions. This variant causes a frameshift starting with codon Leucine 151, changes this amino acid to Asparagine residue, and creates a premature Stop codon at position 14 of the new reading frame, denoted p.Leu151AsnfsTer14. This variant is predicted to cause loss of normal protein function through protein truncation. Loss of function variants have been previously reported to be disease causing. For these reasons, this variant has been classified as Pathogenic.

Women's Health and Genetics/Laboratory Corporation of America, LabCorp
Classification: Pathogenic for Primary hyperoxaluria. Last evaluated: 2019-06-30. Review status: criteria provided, single submitter. Criteria: LabCorp Variant Classification Summary - May 2015. Collection method: clinical testing. Allele origin: germline.
Comment: Variant summary: AGXT c.447_454delGCTGCTGT (p.Leu151AsnfsX14) results in a premature termination codon, predicted to cause a truncation of the encoded protein or absence of the protein due to nonsense mediated decay, which are commonly known mechanisms for disease. Truncations downstream of this position have been classified as pathogenic by our laboratory. The variant was absent in 213810 control chromosomes (gnomAD) but has been reported in the literature in multiple individuals (primarily of Asian origin) affected with Primary Hyperoxaluria Type 1 (Williams_2007, Dutta_2016). These data indicate that the variant is very likely to be associated with disease. Enzymatic activity measured from a homozygous individual harboring this variant show 6% of mean control activity (Williams_2007). A ClinVar submission (evaluation after 2014) cites the variant as pathogenic. Based on the evidence outlined above, the variant was classified as pathogenic.

Counsyl
Classification: Pathogenic for Primary hyperoxaluria, type I. Last evaluated: 2016-01-18. Review status: no assertion criteria provided. Collection method: clinical testing. Allele origin: unknown. Not counted in ClinVar's aggregate classification.

Clinical Biochemistry Laboratory, Health Services Laboratory
Classification: Pathogenic for Primary hyperoxaluria, type I. Last evaluated: 2014-11-27. Review status: no assertion criteria provided. Collection method: research. Allele origin: germline. Affected: yes. Not counted in ClinVar's aggregate classification.

Literature cited by the submitters: PubMed 19479957 (cited by Labcorp Genetics (formerly Invitae), Labcorp); PubMed 17495019 (cited by 4 submitters); PubMed 27512303 (cited by Labcorp Genetics (formerly Invitae), Labcorp and Women's Health and Genetics/Laboratory Corporation of America, LabCorp).